The following is an entry in ClinVar:

NM_000038.6(APC):c.6134C>A (p.Ser2045Tyr)

Gene: APC (APC regulator of Wnt signaling pathway; plus strand). Cytogenetic location: 5q22.2.
Variant type: single nucleotide variant.
Coding change: c.6134C>A on transcript NM_000038.6 (MANE Select); coding-DNA position 6134, C replaced by A.
Protein change: p.Ser2045Tyr; replaces serine 2045 with tyrosine.
Molecular consequence: missense variant.
Genome position (GRCh38, 1-based): chr5:112,841,728, C>A. VCF-style: chr5-112841728-C-A. GRCh37 (hg19) VCF-style: chr5-112177425-C-A.
Other names: c.6134C>A, p.Ser2045Tyr (NM_001127510.3, NM_001354895.2, NM_001407450.1); c.6080C>A, p.Ser2027Tyr (NM_001127511.3); c.6188C>A, p.Ser2063Tyr (NM_001354896.2, NM_001407447.1, NM_001407448.1 and 1 more transcripts); c.6164C>A, p.Ser2055Tyr (NM_001354897.2); c.6059C>A, p.Ser2020Tyr (NM_001354898.2); c.6050C>A, p.Ser2017Tyr (NM_001354899.2); c.6011C>A, p.Ser2004Tyr (NM_001354900.2); c.5957C>A, p.Ser1986Tyr (NM_001354901.2, NM_001407453.1); and 11 more; short protein forms S1962Y, S2020Y, S2027Y, S2035Y, S2063Y, S1885Y, S2038Y, S2055Y.
Identifiers: ClinVar variation 1751804 (VCV001751804.2), dbSNP rs2149957899, ClinGen allele CA16034760.
Genomic context (GRCh38, chr5:112,841,728, plus strand): 5'-GTTCTCTCAGTTCTCTTAGTATTGACTCTGAAGATGACCTGTTGCAGGAATGTATAAGCT[C>A]CGCAATGCCAAAAAAGAAAAAGCCTTCAAGACTCAAGGGTGATAATGAAAAACATAGTCC-3'
Protein context (NP_000029.2, residues 2035-2055): EDDLLQECIS[Ser2045Tyr]AMPKKKKPSR

ClinVar aggregate classification (germline): Uncertain significance (1 of 4 stars; one submission).

Conditions:
Hereditary cancer-predisposing syndrome. Also called: Hereditary Cancer Syndrome; Hereditary neoplastic syndrome; Neoplastic Syndromes, Hereditary; Tumor predisposition. Identifiers: Orphanet 140162, MedGen C0027672, MeSH D009386, MONDO:0015356.

Submission:

Ambry Genetics
Classification: Uncertain significance for Hereditary cancer-predisposing syndrome. Last evaluated: 2022-03-07. Review status: criteria provided, single submitter. Criteria: Ambry Variant Classification Scheme 2023. Collection method: clinical testing. Allele origin: germline.
Comment: The p.S2045Y variant (also known as c.6134C>A), located in coding exon 15 of the APC gene, results from a C to A substitution at nucleotide position 6134. The serine at codon 2045 is replaced by tyrosine, an amino acid with dissimilar properties. This amino acid position is conserved. In addition, in silico predictors for this gene do not accurately predict pathogenicity. Since supporting evidence is limited at this time, the clinical significance of this alteration remains unclear.